The following is an entry in ClinVar:

NM_002691.4(POLD1):c.2717+9C>A

Gene: POLD1 (DNA polymerase delta 1, catalytic subunit; plus strand). Cytogenetic location: 19q13.33.
Variant type: single nucleotide variant.
Coding change: c.2717+9C>A on transcript NM_002691.4 (MANE Select); 9 bases into the intron after coding-DNA position 2717, C replaced by A.
Molecular consequence: intron variant.
Genome position (GRCh38, 1-based): chr19:50,415,599, C>A. VCF-style: chr19-50415599-C-A. GRCh37 (hg19) VCF-style: chr19-50918856-C-A.
Other names: c.2717+9C>A (LRG_785t1, NM_001256849.1); c.2795+9C>A (LRG_785t2, NM_001308632.1).
Identifiers: ClinVar variation 421953 (VCV000421953.13), dbSNP rs760140187, ClinGen allele CA9596621.
Genomic context (GRCh38, chr19:50,415,599, plus strand): 5'-GCGCGGCCTCCGACTATGCCGGCAAGCAGGCCCACGTGGAGCTGGCCGAGAGGTCCTGCG[C>A]GGGGCGGGTGGCCTGGCCAGAAATAACCCCCTCCTTCCTGCCAGCTGGGCCCACTTCCTA-3'

ClinVar aggregate classification (germline): Conflicting classifications of pathogenicity. Review status: criteria provided, conflicting classifications (1 of 4 stars). 3 submissions from 3 submitters: Uncertain significance (1); Likely benign (2). Last evaluated 2025-08-30.

Conditions:
POLD1-related polyposis and colorectal cancer syndrome (CRCS10). Also called: Colorectal cancer 10; COLORECTAL CANCER, SUSCEPTIBILITY TO, ON CHROMOSOME 19q; Colorectal cancer, susceptibility to, 10. Identifiers: Orphanet 220460, MedGen C2675481, MONDO:0012953, OMIM 612591.

Allele frequency attached by ClinVar (database versions not stated): ExAC 0.00001; gnomAD 0.00003.
gnomAD v4.1: 4 of 1,608,314 alleles (0.00025%); highest among the groups gnomAD compares: Middle Eastern, 0.017%; no homozygotes.

Submissions (3):

Labcorp Genetics (formerly Invitae), Labcorp
Classification: Likely benign for POLD1-related polyposis and colorectal cancer syndrome. Last evaluated: 2025-08-30. Review status: criteria provided, single submitter. Criteria: Invitae Variant Classification Sherloc (09022015). Collection method: clinical testing. Allele origin: germline.

Blueprint Genetics
Classification: Likely benign. Last evaluated: 2021-06-23. Review status: criteria provided, single submitter. Criteria: ACMG Guidelines, 2015. Collection method: clinical testing. Allele origin: germline.

GeneDx
Classification: Uncertain significance. Last evaluated: 2018-05-08. Review status: criteria provided, single submitter. Criteria: GeneDx Variant Classification (06012015). Collection method: clinical testing. Allele origin: germline. Affected: yes.
Comment: This variant is denoted POLD1 c.2717+9C>A or IVS21+9C>A and consists of a C>A nucleotide substitution at the +9 position of intron 21 of the POLD1 gene. This variant has not, to our knowledge, been published in the literature as pathogenic or benign. POLD1 c.2717+9C>A was not observed in approximately 6,500 individuals of European and African American ancestry in the NHLBI Exome Sequencing Project, suggesting it is not a common benign variant in these populations. The cytosine (C) nucleotide that is altered is not conserved across species. In silico models are inconclusive with respect to splicing, and in the absence of RNA or functional studies, the actual effect of this variant is unknown. Based on currently available information, it is unclear whether POLD1 c.2717+9C>A is pathogenic or benign. We consider it to be a variant of uncertain significance.